The following is an entry in ClinVar:

NM_025137.4(SPG11):c.2451G>C (p.Trp817Cys)

Gene: SPG11 (SPG11 vesicle trafficking associated, spatacsin; minus strand). Cytogenetic location: 15q21.1.
Variant type: single nucleotide variant.
Coding change: c.2451G>C on transcript NM_025137.4 (MANE Select); coding-DNA position 2451, G replaced by C.
Protein change: p.Trp817Cys; replaces tryptophan 817 with cysteine.
Molecular consequence: missense variant.
Genome position (GRCh38, 1-based): chr15:44,621,928, C>G on the plus strand (G>C on the coding strand, the complement: SPG11 is on the minus strand). VCF-style: chr15-44621928-C-G. GRCh37 (hg19) VCF-style: chr15-44914126-C-G.
Other names: c.2451G>C, p.Trp817Cys (NM_001160227.2, NM_001411132.1); short protein forms W817C.
Identifiers: ClinVar variation 3363262 (VCV003363262.1).

ClinVar aggregate classification (germline): Uncertain significance (1 of 4 stars; one submission).

Submission:

GeneDx
Classification: Uncertain significance. Last evaluated: 2023-10-20. Review status: criteria provided, single submitter. Criteria: GeneDx Variant Classification Process June 2021. Collection method: clinical testing. Allele origin: germline. Affected: yes.
Comment: Not observed at significant frequency in large population cohorts (gnomAD); In silico analysis supports that this missense variant does not alter protein structure/function; Has not been previously published as pathogenic or benign to our knowledge